The following is an entry in ClinVar:

NC_000006.11:g.(?_109773694)_(109775462_?)del

Gene: MICAL1 (microtubule associated monooxygenase, calponin and LIM domain containing 1; minus strand). Cytogenetic location: 6q21.
Variant type: Deletion.
Identifiers: ClinVar variation 2424115 (VCV002424115.4).

ClinVar aggregate classification (germline): Uncertain significance (1 of 4 stars; one submission).

Submission:

Labcorp Genetics (formerly Invitae), Labcorp
Classification: Uncertain significance. Last evaluated: 2022-01-18. Review status: criteria provided, single submitter. Criteria: Invitae Variant Classification Sherloc (09022015). Collection method: clinical testing. Allele origin: germline.
Comment: In summary, the available evidence is currently insufficient to determine the role of this variant in disease. Therefore, it has been classified as a Variant of Uncertain Significance. This variant has not been reported in the literature in individuals affected with MICAL1-related conditions. This variant is a gross deletion of the genomic region encompassing exon(s) 2-5 of the MICAL1 gene. This deletion is out-of-frame, and is expected to create a premature translational stop signal and result in an absent or disrupted protein product. However, the current clinical and genetic evidence is not sufficient to establish whether loss-of-function variants in MICAL1 cause disease.